The following is an entry in ClinVar:

ClinVar aggregate classification (germline): Likely benign (0 of 4 stars; one submission).

Conditions:
ATAD5-related disorder. Also called: ATAD5-related condition.

gnomAD v4.1: 19 of 1,613,626 alleles (0.0012%); highest among the groups gnomAD compares: Middle Eastern, 0.28%; no homozygotes.

Submission:

PreventionGenetics, part of Exact Sciences
Classification: Likely benign for ATAD5-related condition. Last evaluated: 2019-02-19. Review status: no assertion criteria provided. Collection method: clinical testing. Allele origin: germline.
Comment: This variant is classified as likely benign based on ACMG/AMP sequence variant interpretation guidelines (Richards et al. 2015 PMID: 25741868, with internal and published modifications).

NM_024857.5(ATAD5):c.228A>G (p.Thr76=)

Gene: ATAD5 (ATPase family AAA domain containing 5; plus strand). Cytogenetic location: 17q11.2.
Variant type: single nucleotide variant.
Coding change: c.228A>G on transcript NM_024857.5 (MANE Select); coding-DNA position 228, A replaced by G.
Protein change: p.Thr76=; no amino-acid change (threonine 76 retained).
Molecular consequence: synonymous variant.
Genome position (GRCh38, 1-based): chr17:30,834,309, A>G. VCF-style: chr17-30834309-A-G. GRCh37 (hg19) VCF-style: chr17-29161327-A-G.
Identifiers: ClinVar variation 3035167 (VCV003035167.2), dbSNP rs751667550, ClinGen allele CA289309960.